The following is an entry in ClinVar:

NM_001205293.3(CACNA1E):c.3331G>C (p.Val1111Leu)

Gene: CACNA1E (calcium voltage-gated channel subunit alpha1 E; plus strand). Cytogenetic location: 1q25.3.
Variant type: single nucleotide variant.
Coding change: c.3331G>C on transcript NM_001205293.3 (MANE Select); coding-DNA position 3331, G replaced by C.
Protein change: p.Val1111Leu; replaces valine 1111 with leucine.
Molecular consequence: missense variant.
Genome position (GRCh38, 1-based): chr1:181,736,343, G>C. VCF-style: chr1-181736343-G-C. GRCh37 (hg19) VCF-style: chr1-181705479-G-C.
Other names: c.3331G>C, p.Val1111Leu (NM_000721.4); c.3274G>C, p.Val1092Leu (NM_001205294.2); short protein forms V1092L, V1111L.
Identifiers: ClinVar variation 2832953 (VCV002832953.3), dbSNP rs369880803, ClinGen allele CA343621576.

ClinVar aggregate classification (germline): Uncertain significance (1 of 4 stars; one submission).

Submission:

Labcorp Genetics (formerly Invitae), Labcorp
Classification: Uncertain significance. Last evaluated: 2023-03-17. Review status: criteria provided, single submitter. Criteria: Invitae Variant Classification Sherloc (09022015). Collection method: clinical testing. Allele origin: germline.
Comment: In summary, the available evidence is currently insufficient to determine the role of this variant in disease. Therefore, it has been classified as a Variant of Uncertain Significance. Advanced modeling of protein sequence and biophysical properties (such as structural, functional, and spatial information, amino acid conservation, physicochemical variation, residue mobility, and thermodynamic stability) performed at Invitae indicates that this missense variant is not expected to disrupt CACNA1E protein function. This variant has not been reported in the literature in individuals affected with CACNA1E-related conditions. This variant is not present in population databases (gnomAD no frequency). This sequence change replaces valine, which is neutral and non-polar, with leucine, which is neutral and non-polar, at codon 1111 of the CACNA1E protein (p.Val1111Leu).